The following is an entry in ClinVar:

ClinVar aggregate classification (germline): Uncertain significance (1 of 4 stars; one submission).

Submission:

GeneDx
Classification: Uncertain significance. Last evaluated: 2020-07-06. Review status: criteria provided, single submitter. Criteria: GeneDx Variant Classification Process June 2021. Collection method: clinical testing. Allele origin: germline. Affected: yes.
Comment: Not observed in large population cohorts (Lek et al., 2016); In silico analysis supports that this missense variant has a deleterious effect on protein structure/function; Has not been previously published as pathogenic or benign to our knowledge

NM_001291415.2(KDM6A):c.2908T>C (p.Cys970Arg)

Gene: KDM6A (lysine demethylase 6A; plus strand). Cytogenetic location: Xp11.3.
Variant type: single nucleotide variant.
Coding change: c.2908T>C on transcript NM_001291415.2 (MANE Select); coding-DNA position 2908, T replaced by C.
Protein change: p.Cys970Arg; replaces cysteine 970 with arginine.
Molecular consequence: missense variant. On other transcripts: non-coding transcript variant (1).
Genome position (GRCh38, 1-based): chrX:45,076,746, T>C. VCF-style: chrX-45076746-T-C. GRCh37 (hg19) VCF-style: chrX-44935991-T-C.
Other names: c.2773T>C, p.Cys925Arg (NM_001291416.2); c.2617T>C, p.Cys873Arg (NM_001291417.2); c.2515T>C, p.Cys839Arg (NM_001291418.2); c.1864T>C, p.Cys622Arg (NM_001291421.2); c.2752T>C, p.Cys918Arg (NM_021140.4); short protein forms C622R, C839R, C873R, C918R, C925R, C970R.
Identifiers: ClinVar variation 1312895 (VCV001312895.2), dbSNP rs2148101517, ClinGen allele CA412798968.